The following is an entry in ClinVar:

NM_020533.3(MCOLN1):c.264G>A (p.Gln88=)

Gene: MCOLN1 (mucolipin TRP cation channel 1; plus strand). Cytogenetic location: 19p13.2.
Variant type: single nucleotide variant.
Coding change: c.264G>A on transcript NM_020533.3 (MANE Select); coding-DNA position 264, G replaced by A.
Protein change: p.Gln88=; no amino-acid change (glutamine 88 retained).
Molecular consequence: synonymous variant.
Genome position (GRCh38, 1-based): chr19:7,526,465, G>A. VCF-style: chr19-7526465-G-A. GRCh37 (hg19) VCF-style: chr19-7591351-G-A.
Identifiers: ClinVar variation 725400 (VCV000725400.17), dbSNP rs554380139, ClinGen allele CA9138678.

ClinVar aggregate classification (germline): Likely benign. Review status: criteria provided, single submitter (1 of 4 stars). 3 submissions from 3 submitters: Likely benign (1). 2 of the submissions do not count toward it. Last evaluated 2025-12-08.

Conditions:
MCOLN1-related disorder. Also called: MCOLN1-related condition.
Mucolipidosis type IV (ML4). Also called: ML IV. Identifiers: Orphanet 578, MedGen C0238286, MONDO:0009653, OMIM 252650.

Allele frequency attached by ClinVar (database versions not stated): gnomAD below 0.00001 and 0.00002; gnomAD exomes 0.00004 and 0.00009; ExAC 0.00007; 1000 Genomes Project 30x 0.00016; 1000 Genomes Project 0.00020.
gnomAD v4.1: 62 of 1,614,228 alleles (0.0038%); highest among the groups gnomAD compares: South Asian, 0.06%; 1 homozygote.

Submissions (3):

Labcorp Genetics (formerly Invitae), Labcorp
Classification: Likely benign for Mucolipidosis type IV. Last evaluated: 2025-12-08. Review status: criteria provided, single submitter. Criteria: Invitae Variant Classification Sherloc (09022015). Collection method: clinical testing. Allele origin: germline.

Natera, Inc.
Classification: Likely benign for Mucolipidosis type IV. Last evaluated: 2020-12-03. Review status: no assertion criteria provided. Collection method: clinical testing. Allele origin: germline. Not counted in ClinVar's aggregate classification.

PreventionGenetics, part of Exact Sciences
Classification: Likely benign for MCOLN1-related condition. Last evaluated: 2019-05-28. Review status: no assertion criteria provided. Collection method: clinical testing. Allele origin: germline. Not counted in ClinVar's aggregate classification.
Comment: This variant is classified as likely benign based on ACMG/AMP sequence variant interpretation guidelines (Richards et al. 2015 PMID: 25741868, with internal and published modifications).